The following is an entry in ClinVar:

NM_000368.5(TSC1):c.913G>A (p.Gly305Arg)

Gene: TSC1 (TSC complex subunit 1; minus strand). Cytogenetic location: 9q34.13.
Variant type: single nucleotide variant.
Coding change: c.913G>A on transcript NM_000368.5 (MANE Select); coding-DNA position 913, G replaced by A.
Protein change: p.Gly305Arg; replaces glycine 305 with arginine.
Molecular consequence: missense variant.
Genome position (GRCh38, 1-based): chr9:132,912,282, C>T on the plus strand (G>A on the coding strand, the complement: TSC1 is on the minus strand). VCF-style: chr9-132912282-C-T. GRCh37 (hg19) VCF-style: chr9-135787669-C-T.
Other names: c.913G>A, p.Gly305Arg (NM_001162426.2); c.760G>A, p.Gly254Arg (NM_001162427.2); c.550G>A, p.Gly184Arg (NM_001362177.2); short protein forms G305R, G254R, G184R.
Identifiers: ClinVar variation 49125 (VCV000049125.9), dbSNP rs118203468, ClinGen allele CA008396.
Genomic context (GRCh38, chr9:132,912,282, plus strand): 5'-CAAATAATGTTTTCCAGAGACAAAGTTGCAAAACAGATAAGTACCAAAGACACTTTTTAC[C>T]ATAGCTATTCTGTGTGTCAGCATAAGGGCTGGTGGTGACATCGGCTGAACGATGAGGAAA-3'
Protein context (NP_000359.1, residues 295-315): SPYADTQNSY[Gly305Arg]CATSTPYSTS

ClinVar aggregate classification (germline): Conflicting classifications of pathogenicity. Review status: criteria provided, conflicting classifications (1 of 4 stars). 3 submissions from 3 submitters: Pathogenic (1); Uncertain significance (1). 1 of the submissions does not count toward it. Last evaluated 2025-10-10.

Conditions:
Tuberous sclerosis syndrome (TSC). Also called: Tuberous Sclerosis Complex; Tuberous sclerosis. Identifiers: Orphanet 805, MedGen C0041341, MONDO:0001734.
Hereditary cancer-predisposing syndrome. Also called: Neoplastic Syndromes, Hereditary; Tumor predisposition; Hereditary Cancer Syndrome; Hereditary neoplastic syndrome. Identifiers: Orphanet 140162, MedGen C0027672, MeSH D009386, MONDO:0015356.

Submissions (3):

GeneDx
Classification: Uncertain significance. Last evaluated: 2025-10-10. Review status: criteria provided, single submitter. Criteria: GeneDx Variant Classification Process June 2021. Collection method: clinical testing. Allele origin: germline. Affected: yes.
Comment: Not observed at significant frequency in large population cohorts (gnomAD); In silico analysis supports that this missense variant does not alter protein structure/function; In silico analysis supports a deleterious effect on splicing; This variant is associated with the following publications: (PMID: 21309039, 18830229, 33588785, 18466115, 17304050)

Ambry Genetics
Classification: Pathogenic for Hereditary cancer-predisposing syndrome. Last evaluated: 2025-05-06. Review status: criteria provided, single submitter. Criteria: Ambry Variant Classification Scheme 2023. Collection method: clinical testing. Allele origin: germline.
Comment: The c.913G>A pathogenic mutation (also known as p.G305R), located in coding exon 7 of the TSC1 gene, results from a G to A substitution at nucleotide position 913. The amino acid change results in glycine to arginine at codon 305, an amino acid with dissimilar properties. However, this change occurs in the last base pair of coding exon 7, which makes it likely to have some effect on normal mRNA splicing. This variant was reported in individuals with features consistent with tuberous sclerosis complex (Au KS et al. Genet Med, 2007 Feb;9:88-100; Ambry internal data). This nucleotide position is highly conserved in available vertebrate species. In silico splice site analysis predicts that this alteration may weaken the native splice donor site and will result in the creation or strengthening of a novel splice donor site. RNA studies have demonstrated that this alteration results in abnormal splicing in the set of samples tested (Ambry internal data). This variant is considered to be rare based on population cohorts in the Genome Aggregation Database (gnomAD). Based on the supporting evidence, this variant is interpreted as a disease-causing mutation.

Tuberous sclerosis database (TSC1)
No classification provided. Condition: TSC. Review status: no classification provided. Criteria: Tuberous Sclerosis Database Assertion Criteria 2015. Collection method: curation. Allele origin: germline. Affected: yes. Not counted in ClinVar's aggregate classification.

Literature cited by the submitters: PubMed 17304050 (cited by Ambry Genetics).